The following is an entry in ClinVar:

ClinVar aggregate classification (germline): Uncertain significance. Review status: criteria provided, multiple submitters, no conflicts (2 of 4 stars). 3 submissions from 3 submitters: Uncertain significance (3). Last evaluated 2025-12-17.

Conditions:
TRIM32-related disorder. Also called: TRIM32-related condition.
Bardet-Biedl syndrome (BBS). Identifiers: Orphanet 110, MedGen C0752166, MONDO:0015229.

Allele frequency attached by ClinVar (database versions not stated): TOPMed 0.00002; gnomAD 0.00005 and 0.00006.
gnomAD v4.1: 108 of 1,614,028 alleles (0.0067%); highest among the groups gnomAD compares: Middle Eastern, 0.016%; no homozygotes.

Submissions (3):

PreventionGenetics, part of Exact Sciences
Classification: Uncertain significance for TRIM32-related condition. Last evaluated: 2025-12-17. Review status: criteria provided, single submitter. Criteria: ACMG Guidelines, 2015. Collection method: clinical testing. Allele origin: germline.
Comment: The TRIM32 c.1688G>A variant is predicted to result in the amino acid substitution p.Arg563His. This variant has been reported as a variant of uncertain significance in one individual in a study of patients with kidney disease (Case 77, Mansilla et al. 2019. PubMed ID: 31738409). However, the particular kidney disorder in this individual, as well as their obesity status was not indicated. This variant is reported in 0.012% of alleles in individuals of European (Non-Finnish) descent in gnomAD. At this time, the clinical significance of this variant is uncertain due to the absence of conclusive functional and genetic evidence.

Labcorp Genetics (formerly Invitae), Labcorp
Classification: Uncertain significance for Bardet-Biedl syndrome. Last evaluated: 2022-07-19. Review status: criteria provided, single submitter. Criteria: Invitae Variant Classification Sherloc (09022015). Collection method: clinical testing. Allele origin: germline.
Comment: This sequence change replaces arginine, which is basic and polar, with histidine, which is basic and polar, at codon 563 of the TRIM32 protein (p.Arg563His). This variant is present in population databases (rs138056275, gnomAD 0.01%). This variant has not been reported in the literature in individuals affected with TRIM32-related conditions. ClinVar contains an entry for this variant (Variation ID: 411139). Algorithms developed to predict the effect of missense changes on protein structure and function are either unavailable or do not agree on the potential impact of this missense change (SIFT: "Deleterious"; PolyPhen-2: "Possibly Damaging"; Align-GVGD: "Class C0"). In summary, the available evidence is currently insufficient to determine the role of this variant in disease. Therefore, it has been classified as a Variant of Uncertain Significance.

Athena Diagnostics
Classification: Uncertain significance. Last evaluated: 2018-01-25. Review status: criteria provided, single submitter. Criteria: Athena Diagnostics Criteria. Collection method: clinical testing. Allele origin: germline.

NM_012210.4(TRIM32):c.1688G>A (p.Arg563His)

Genes: ASTN2 (astrotactin 2; minus strand), TRIM32 (tripartite motif containing 32; plus strand). Cytogenetic location: 9q33.1.
Variant type: single nucleotide variant.
Coding change: c.1688G>A on transcript NM_012210.4 (MANE Select); coding-DNA position 1688, G replaced by A.
Protein change: p.Arg563His; replaces arginine 563 with histidine.
Molecular consequence: missense variant. On other transcripts: intron variant (3).
Genome position (GRCh38, 1-based): chr9:116,699,430, G>A. VCF-style: chr9-116699430-G-A. GRCh37 (hg19) VCF-style: chr9-119461709-G-A.
Other names: c.1688G>A, p.Arg563His (NM_001099679.2, NM_001379048.1, NM_001379049.1 and 1 more transcripts); c.2653+26341C>T (NM_014010.5); c.2794+26341C>T (NM_001365069.1); c.2806+26341C>T (NM_001365068.1); short protein forms R563H.
Identifiers: ClinVar variation 411139 (VCV000411139.8), dbSNP rs138056275, ClinGen allele CA5211193.